The following is an entry in ClinVar:

NM_002691.4(POLD1):c.883G>T (p.Val295Leu)

Gene: POLD1 (DNA polymerase delta 1, catalytic subunit; plus strand). Cytogenetic location: 19q13.33.
Variant type: single nucleotide variant.
Coding change: c.883G>T on transcript NM_002691.4 (MANE Select); coding-DNA position 883, G replaced by T.
Protein change: p.Val295Leu; replaces valine 295 with leucine.
Molecular consequence: missense variant. On other transcripts: non-coding transcript variant (1).
Genome position (GRCh38, 1-based): chr19:50,402,654, G>T. VCF-style: chr19-50402654-G-T. GRCh37 (hg19) VCF-style: chr19-50905911-G-T.
Other names: c.883G>T, p.Val295Leu (NM_001256849.1, NM_001308632.1); short protein forms V295L.
Identifiers: ClinVar variation 847381 (VCV000847381.9), dbSNP rs199545019, ClinGen allele CA406976877.
Genomic context (GRCh38, chr19:50,402,654, plus strand): 5'-ACCCACCCATGCCCACAGGCTACGCAGTGCCAGCTGGAGGCGGACGTGCTGTGGTCTGAC[G>T]TGGTCAGTCACCCACCGGAAGGGCCATGGCAGCGCATTGCGCCCTTGCGCGTGCTCAGCT-3'
Protein context (NP_002682.2, residues 285-305): QLEADVLWSD[Val295Leu]VSHPPEGPWQ

ClinVar aggregate classification (germline): Uncertain significance (1 of 4 stars; one submission).

Conditions:
POLD1-related polyposis and colorectal cancer syndrome (CRCS10). Also called: Colorectal cancer 10; COLORECTAL CANCER, SUSCEPTIBILITY TO, ON CHROMOSOME 19q; Colorectal cancer, susceptibility to, 10. Identifiers: Orphanet 220460, MedGen C2675481, MONDO:0012953, OMIM 612591.

Submission:

Labcorp Genetics (formerly Invitae), Labcorp
Classification: Uncertain significance for POLD1-related polyposis and colorectal cancer syndrome. Last evaluated: 2019-04-01. Review status: criteria provided, single submitter. Criteria: Invitae Variant Classification Sherloc (09022015). Collection method: clinical testing. Allele origin: germline.
Comment: In summary, the available evidence is currently insufficient to determine the role of this variant in disease. Therefore, it has been classified as a Variant of Uncertain Significance. Algorithms developed to predict the effect of missense changes on protein structure and function (SIFT, PolyPhen-2, Align-GVGD) all suggest that this variant is likely to be tolerated, but these predictions have not been confirmed by published functional studies and their clinical significance is uncertain. This variant has not been reported in the literature in individuals with POLD1-related conditions. This variant is not present in population databases (ExAC no frequency). This sequence change replaces valine with leucine at codon 295 of the POLD1 protein (p.Val295Leu). The valine residue is weakly conserved and there is a small physicochemical difference between valine and leucine.